The following is an entry in ClinVar:

ClinVar aggregate classification (germline): Uncertain significance (1 of 4 stars; one submission).

gnomAD v4.1: 5 of 1,607,332 alleles (0.00031%); highest among the groups gnomAD compares: Non-Finnish European, 0.00042%; no homozygotes.

Submission:

GeneDx
Classification: Uncertain significance. Last evaluated: 2026-02-20. Review status: criteria provided, single submitter. Criteria: GeneDx Variant Classification Process June 2021. Collection method: clinical testing. Allele origin: germline.
Comment: Not observed at significant frequency in large population cohorts (gnomAD); Missense variant in a gene in which most reported pathogenic variants are truncating/loss of function; Has not been previously published as pathogenic or benign to our knowledge

NM_001267550.2(TTN):c.49354G>C (p.Gly16452Arg)

Genes: TTN (titin; minus strand), TTN-AS1 (TTN antisense RNA 1; plus strand). Cytogenetic location: 2q31.2.
Variant type: single nucleotide variant.
Coding change: c.49354G>C on transcript NM_001267550.2 (MANE Select); coding-DNA position 49354, G replaced by C.
Protein change: p.Gly16452Arg; replaces glycine 16452 with arginine.
Molecular consequence: missense variant.
Genome position (GRCh38, 1-based): chr2:178,613,929, C>G on the plus strand (G>C on the coding strand, the complement: TTN is on the minus strand). VCF-style: chr2-178613929-C-G. GRCh37 (hg19) VCF-style: chr2-179478656-C-G.
Other names: c.44431G>C, p.Gly14811Arg (NM_001256850.1); c.22159G>C, p.Gly7387Arg (NM_003319.4); c.41650G>C, p.Gly13884Arg (NM_133378.4); c.22534G>C, p.Gly7512Arg (NM_133432.3); c.22735G>C, p.Gly7579Arg (NM_133437.4); short protein forms G13884R, G14811R, G7387R, G7579R, G7512R, G16452R.
Identifiers: ClinVar variation 5009610 (VCV005009610.1).
Genomic context (GRCh38, chr2:178,613,929, plus strand): 5'-ACCATGTGAGAGTCACTGCGTCTTTAGTGATATCAGAAGGTTCTAGGCGAGTTGGAGGAC[C>G]AGGTGGATCTATAGACAGGATAATGGTGTAAAATGTTATATGTCCTGTATATAAATATGA-3'
Protein context (NP_001254479.2, residues 16442-16462): ITAKYQFDPP[Gly16452Arg]PPTRLEPSDI